The following is an entry in ClinVar:

ClinVar aggregate classification (germline): Uncertain significance. Review status: criteria provided, multiple submitters, no conflicts (2 of 4 stars). 2 submissions from 2 submitters: Uncertain significance (2). Last evaluated 2024-07-15.

Conditions:
Inborn genetic diseases. Identifiers: MedGen C0950123, MeSH D030342.

Allele frequency attached by ClinVar (database versions not stated): gnomAD 0.00001; TOPMed 0.00002.
gnomAD v4.1: 2 of 1,613,996 alleles (0.00012%); highest among the groups gnomAD compares: Admixed American, 0.0033%; no homozygotes.

Submissions (2):

Labcorp Genetics (formerly Invitae), Labcorp
Classification: Uncertain significance. Last evaluated: 2024-07-15. Review status: criteria provided, single submitter. Criteria: Invitae Variant Classification Sherloc (09022015). Collection method: clinical testing. Allele origin: germline.
Comment: This sequence change replaces glutamine, which is neutral and polar, with arginine, which is basic and polar, at codon 589 of the EPAS1 protein (p.Gln589Arg). This variant is not present in population databases (gnomAD no frequency). This variant has not been reported in the literature in individuals affected with EPAS1-related conditions. ClinVar contains an entry for this variant (Variation ID: 1779681). An algorithm developed to predict the effect of missense changes on protein structure and function outputs the following: PolyPhen-2: "Benign". The arginine amino acid residue is found in multiple mammalian species, which suggests that this missense change does not adversely affect protein function. In summary, the available evidence is currently insufficient to determine the role of this variant in disease. Therefore, it has been classified as a Variant of Uncertain Significance.

Ambry Genetics
Classification: Uncertain significance for Inborn genetic diseases. Last evaluated: 2023-11-23. Review status: criteria provided, single submitter. Criteria: Ambry Variant Classification Scheme 2023. Collection method: clinical testing. Allele origin: germline.
Comment: The p.Q589R variant (also known as c.1766A>G), located in coding exon 12 of the EPAS1 gene, results from an A to G substitution at nucleotide position 1766. The glutamine at codon 589 is replaced by arginine, an amino acid with highly similar properties. This amino acid position is conserved. In addition, this alteration is predicted to be tolerated by in silico analysis. Since supporting evidence is limited at this time, the clinical significance of this alteration remains unclear.

NM_001430.5(EPAS1):c.1766A>G (p.Gln589Arg)

Gene: EPAS1 (endothelial PAS domain protein 1; plus strand). Cytogenetic location: 2p21.
Variant type: single nucleotide variant.
Coding change: c.1766A>G on transcript NM_001430.5 (MANE Select); coding-DNA position 1766, A replaced by G.
Protein change: p.Gln589Arg; replaces glutamine 589 with arginine.
Molecular consequence: missense variant.
Genome position (GRCh38, 1-based): chr2:46,380,438, A>G. VCF-style: chr2-46380438-A-G. GRCh37 (hg19) VCF-style: chr2-46607577-A-G.
Other names: short protein forms Q589R.
Identifiers: ClinVar variation 1779681 (VCV001779681.4), dbSNP rs1394911085, ClinGen allele CA346704837.